The following is an entry in ClinVar:

ClinVar aggregate classification (germline): Likely pathogenic (1 of 4 stars; one submission).

Submission:

Labcorp Genetics (formerly Invitae), Labcorp
Classification: Likely pathogenic. Last evaluated: 2020-09-09. Review status: criteria provided, single submitter. Criteria: Invitae Variant Classification Sherloc (09022015). Collection method: clinical testing. Allele origin: germline.
Comment: Advanced modeling of protein sequence and biophysical properties (such as structural, functional, and spatial information, amino acid conservation, physicochemical variation, residue mobility, and thermodynamic stability) performed at Invitae indicates that this missense variant is expected to disrupt COL4A5 protein function. This missense change has been observed in individual(s) with clinical features of Alport syndrome (PMID: 29270492). This variant is not present in population databases (ExAC no frequency). This sequence change replaces glycine with arginine at codon 460 of the COL4A5 protein (p.Gly460Arg). The glycine residue is moderately conserved and there is a moderate physicochemical difference between glycine and arginine. This variant disrupts the triple helix domain of COL4A5. Glycine residues within the Gly-Xaa-Yaa repeats of the triple helix domain are required for the structure and stability of fibrillar collagens (PMID: 7695699, 8218237, 19344236). In COL4A5, missense variants at these glycine residues are significantly enriched in individuals with disease (PMID: 23720012, 27627812) compared to the general population (ExAC). In summary, the currently available evidence indicates that the variant is pathogenic, but additional data are needed to prove that conclusively. Therefore, this variant has been classified as Likely Pathogenic.

Literature cited by the submitters: PubMed 29270492; PubMed 7695699; PubMed 8218237; PubMed 19344236; PubMed 23720012; PubMed 27627812.

NM_033380.3(COL4A5):c.1378G>C (p.Gly460Arg)

Gene: COL4A5 (collagen type IV alpha 5 chain; plus strand). Cytogenetic location: Xq22.3.
Variant type: single nucleotide variant.
Coding change: c.1378G>C on transcript NM_033380.3 (MANE Select); coding-DNA position 1378, G replaced by C.
Protein change: p.Gly460Arg; replaces glycine 460 with arginine.
Molecular consequence: missense variant.
Genome position (GRCh38, 1-based): chrX:108,591,599, G>C. VCF-style: chrX-108591599-G-C. GRCh37 (hg19) VCF-style: chrX-107834829-G-C.
Other names: c.1378G>C, p.Gly460Arg (NM_000495.5); short protein forms G460R.
Identifiers: ClinVar variation 1067870 (VCV001067870.9), dbSNP rs2066435557, ClinGen allele CA413934575.